The following is an entry in ClinVar:

NM_152490.5(B3GALNT2):c.43G>A (p.Ala15Thr)

Gene: B3GALNT2 (beta-1,3-N-acetylgalactosaminyltransferase 2; minus strand). Cytogenetic location: 1q42.3.
Variant type: single nucleotide variant.
Coding change: c.43G>A on transcript NM_152490.5 (MANE Select); coding-DNA position 43, G replaced by A.
Protein change: p.Ala15Thr; replaces alanine 15 with threonine.
Molecular consequence: missense variant.
Genome position (GRCh38, 1-based): chr1:235,504,210, C>T on the plus strand (G>A on the coding strand, the complement: B3GALNT2 is on the minus strand). VCF-style: chr1-235504210-C-T. GRCh37 (hg19) VCF-style: chr1-235667510-C-T.
Other names: c.43G>A, p.Ala15Thr (NM_001277155.3); c.43G>A (NM_152490.2); short protein forms A15T.
Identifiers: ClinVar variation 473886 (VCV000473886.9), dbSNP rs997345764, ClinGen allele CA39593974.
Genomic context (GRCh38, chr1:235,504,210, plus strand): 5'-CGGCCCCGGAGGCGCAGGCGGGCGGCGGGGAGCGCAGCCGCAGCCAGAGGTGCAGCGCGG[C>T]CCCGAGCACACACGGGCACAGCAGCACCAGCCAGTTTCGCATTGGCCGCCCCCGCCGCGA-3'
Protein context (NP_689703.1, residues 5-25): LVLLCPCVLG[Ala15Thr]ALHLWLRLRS

ClinVar aggregate classification (germline): Uncertain significance. Review status: criteria provided, multiple submitters, no conflicts (2 of 4 stars). 4 submissions from 4 submitters: Uncertain significance (4). Last evaluated 2025-03-24.

Conditions:
Muscular dystrophy-dystroglycanopathy (congenital with brain and eye anomalies), type a, 11 (MDDGA11). Also called: Congenital muscular dystrophy-dystroglycanopathy with brain and eye anomalies, type A11; Muscular dystrophy-dystroglycanopathy (congenital with brain and eye anomalies, type A, 11; WALKER-WARBURG SYNDROME OR MUSCLE-EYE-BRAIN DISEASE, B3GALNT2-RELATED. Identifiers: Orphanet 588, Orphanet 899, MedGen C3554638, MONDO:0014071, OMIM 615181.
Inborn genetic diseases. Identifiers: MedGen C0950123, MeSH D030342.

Allele frequency attached by ClinVar (database versions not stated): gnomAD 0.00001; gnomAD exomes 0.00002; TOPMed 0.00005.
gnomAD v4.1: 39 of 1,453,326 alleles (0.0027%); highest among the groups gnomAD compares: Non-Finnish European, 0.0034%; no homozygotes.

Submissions (4):

Ambry Genetics
Classification: Uncertain significance for Inborn genetic diseases. Last evaluated: 2025-03-24. Review status: criteria provided, single submitter. Criteria: Ambry Variant Classification Scheme 2023. Collection method: clinical testing. Allele origin: germline.

Labcorp Genetics (formerly Invitae), Labcorp
Classification: Uncertain significance for Muscular dystrophy-dystroglycanopathy (congenital with brain and eye anomalies), type a, 11. Last evaluated: 2022-02-01. Review status: criteria provided, single submitter. Criteria: Invitae Variant Classification Sherloc (09022015). Collection method: clinical testing. Allele origin: germline.
Comment: This sequence change replaces alanine, which is neutral and non-polar, with threonine, which is neutral and polar, at codon 15 of the B3GALNT2 protein (p.Ala15Thr). The frequency data for this variant in the population databases is considered unreliable, as metrics indicate poor data quality at this position in the gnomAD database. This variant has not been reported in the literature in individuals affected with B3GALNT2-related conditions. ClinVar contains an entry for this variant (Variation ID: 473886). Algorithms developed to predict the effect of missense changes on protein structure and function (SIFT, PolyPhen-2, Align-GVGD) all suggest that this variant is likely to be tolerated. In summary, the available evidence is currently insufficient to determine the role of this variant in disease. Therefore, it has been classified as a Variant of Uncertain Significance.

Revvity Omics, Revvity
Classification: Uncertain significance for Muscular dystrophy-dystroglycanopathy (congenital with brain and eye anomalies), type a, 11. Last evaluated: 2019-11-25. Review status: criteria provided, single submitter. Criteria: ACMG Guidelines, 2015. Collection method: clinical testing. Allele origin: germline.

Fulgent Genetics
Classification: Uncertain significance for Muscular dystrophy-dystroglycanopathy (congenital with brain and eye anomalies), type a, 11. Last evaluated: 2018-10-31. Review status: criteria provided, single submitter. Criteria: ACMG Guidelines, 2015. Collection method: clinical testing. Allele origin: unknown.